The following is an entry in ClinVar:

NM_000059.4(BRCA2):c.4478_4481del (p.Glu1493fs)

Gene: BRCA2 (BRCA2 DNA repair associated; plus strand). Cytogenetic location: 13q13.1.
Variant type: Microsatellite.
Coding change: c.4478_4481del on transcript NM_000059.4 (MANE Select); coding-DNA positions 4478 to 4481, 4 bases deleted (AAAG; older notation c.4478_4481delAAAG).
Protein change: p.Glu1493fs; shifts the reading frame from glutamic acid 1493.
Molecular consequence: frameshift variant.
Genome position (GRCh38, 1-based): chr13:32,338,833-32,338,836, AAAG deleted; deleting any 4 consecutive bases within chr13:32,338,828-32,338,836 gives the same sequence; the c. name uses the placement nearest the transcript's 3' end. VCF-style (leftmost placement, unchanged base first): chr13-32338827-TGAAA-T. GRCh37 (hg19) VCF-style: chr13-32912964-TGAAA-T.
Other names: 4706delAAAG; 4705del4; 4706_4709delAAAG; 4706del4; 4706Del4; c.4478_4481delAAAG (NM_000059.3); short protein forms E1493fs.
Identifiers: ClinVar variation 51653 (VCV000051653.94), dbSNP rs80359454, ClinGen allele CA020248.

ClinVar aggregate classification (germline): Pathogenic. Review status: reviewed by expert panel (3 of 4 stars). 40 submissions from 37 submitters: Pathogenic (1). 39 of the submissions do not count toward it. Last evaluated 2016-04-22.

Conditions:
Inherited breast cancer and ovarian cancer.
BRCA2-related cancer predisposition. Identifiers: MedGen CN377758, MONDO:0700269.
Inherited prostate cancer.
Inherited ovarian cancer (without breast cancer).
Diffuse intrinsic pontine glioma. Identifiers: Orphanet 497188, MedGen C2986658, MONDO:0006033.
BRCA2-related disorder. Also called: BRCA2-related condition; BRCA2-related disorders. Identifiers: MedGen CN239275.
Fetal anomalies with a likely genetic cause.
Gastric cancer. Also called: Malignant tumor of stomach; Stomach cancer. Identifiers: MedGen C0024623, MeSH D013274, MONDO:0001056, OMIM 613659, HP:0012126.
Breast and/or ovarian cancer. Identifiers: MedGen CN221562.
Hereditary cancer-predisposing syndrome. Also called: Hereditary Cancer Syndrome; Tumor predisposition; Neoplastic Syndromes, Hereditary; Hereditary neoplastic syndrome. Identifiers: Orphanet 140162, MedGen C0027672, MeSH D009386, MONDO:0015356.
Hereditary breast ovarian cancer syndrome. Also called: Breast and ovarian cancer; BRCA1- and BRCA2-Associated Hereditary Breast and Ovarian Cancer; Hereditary breast and ovarian cancer; Hereditary breast and ovarian cancer syndrome (HBOC); Hereditary breast and ovarian cancer syndrome; Hereditary breast and/or ovarian cancer syndrome. Identifiers: Orphanet 145, MedGen C0677776, MeSH D061325, MONDO:0003582. Disease mechanism: loss of function.
Breast-ovarian cancer, familial, susceptibility to, 2 (BROVCA2). Also called: BRCA2 Hereditary Breast and Ovarian Cancer. Identifiers: Orphanet 145, MedGen C2675520, MONDO:0012933, OMIM 612555. Disease mechanism: loss of function.
Breast-ovarian cancer, familial, susceptibility to, 1 (BROVCA1). Also called: BRCA1 Hereditary Breast and Ovarian Cancer; OVARIAN CANCER, SUSCEPTIBILITY TO. Identifiers: Orphanet 145, MedGen C2676676, MONDO:0011450, OMIM 604370. Disease mechanism: loss of function.
Familial cancer of breast. Also called: BREAST CANCER, FAMILIAL; hereditary breast carcinoma; Hereditary breast cancer. Identifiers: Orphanet 227535, MedGen C0346153, MONDO:0016419, OMIM 114480. Disease mechanism: loss of function.
Malignant tumor of breast. Also called: Malignant breast neoplasm; Cancer breast. Identifiers: MedGen C0006142, MONDO:0007254. Disease mechanism: loss of function.

Submissions 1 to 11 of 40:

Evidence-based Network for the Interpretation of Germline Mutant Alleles (ENIGMA)
Classification: Pathogenic for Breast-ovarian cancer, familial, susceptibility to, 2. Last evaluated: 2016-04-22. Review status: reviewed by expert panel. Criteria: ENIGMA BRCA1/2 Classification Criteria (2015). Collection method: curation. Allele origin: germline.
Comment: Variant allele predicted to encode a truncated non-functional protein.

Genetics Laboratory, Great Ormond Street Hospital NHS Foundation Trust, North Thames Genomic Laboratory Hub
Classification: Pathogenic for Inherited ovarian cancer (without breast cancer). Last evaluated: 2026-08-26. Review status: criteria provided, single submitter. Criteria: CanVIG BRCA Gene Specific V1.22. Collection method: clinical testing. Allele origin: germline. Affected: yes. Not counted in ClinVar's aggregate classification.
Comment: PS4_very-strong, PM2_supporting, PVS1_very-strong, PM5_strong

Genetics Laboratory, Great Ormond Street Hospital NHS Foundation Trust, North Thames Genomic Laboratory Hub
Classification: Pathogenic for Inherited breast cancer and ovarian cancer. Last evaluated: 2026-08-26. Review status: criteria provided, single submitter. Criteria: CanVIG BRCA Gene Specific V1.22. Collection method: clinical testing. Allele origin: germline. Affected: yes. Not counted in ClinVar's aggregate classification.
Comment: the same text as in the submission from Genetics Laboratory, Great Ormond Street Hospital NHS Foundation Trust, North Thames Genomic Laboratory Hub above.

Genetics Laboratory, Great Ormond Street Hospital NHS Foundation Trust, North Thames Genomic Laboratory Hub
Classification: Pathogenic for Fetal anomalies with a likely genetic cause. Last evaluated: 2026-08-26. Review status: criteria provided, single submitter. Criteria: CanVIG BRCA Gene Specific V1.22. Collection method: clinical testing. Allele origin: germline. Affected: yes. Not counted in ClinVar's aggregate classification.
Comment: the same text as in the submission from Genetics Laboratory, Great Ormond Street Hospital NHS Foundation Trust, North Thames Genomic Laboratory Hub above.

Genomics and Molecular Medicine Service, East Genomic Laboratory Hub, NHS Genomic Medicine Service
Classification: Pathogenic for Inherited prostate cancer. Last evaluated: 2026-08-11. Review status: criteria provided, single submitter. Criteria: ACGS Best Practice Guidelines for Variant Classification in Rare Disease 2020. Collection method: clinical testing. Allele origin: germline. Affected: yes. Not counted in ClinVar's aggregate classification.
Comment: PVS1,PS4_Very Strong,PM2_Supporting,PM5_Strong

Cambridge Genomics Laboratory, East Genomic Laboratory Hub, NHS Genomic Medicine Service
Classification: Pathogenic for Inherited breast cancer and ovarian cancer. Last evaluated: 2026-07-17. Review status: criteria provided, single submitter. Criteria: ACGS Best Practice Guidelines for Variant Classification in Rare Disease 2020. Collection method: clinical testing. Allele origin: germline. Affected: yes. Not counted in ClinVar's aggregate classification.
Comment: PVS1,PM5_Strong

Labcorp Genetics (formerly Invitae), Labcorp
Classification: Pathogenic for Hereditary breast ovarian cancer syndrome. Last evaluated: 2026-01-31. Review status: criteria provided, single submitter. Criteria: Invitae Variant Classification Sherloc (09022015). Collection method: clinical testing. Allele origin: germline. Not counted in ClinVar's aggregate classification.
Comment: This sequence change creates a premature translational stop signal (p.Glu1493Valfs*10) in the BRCA2 gene. It is expected to result in an absent or disrupted protein product. Loss-of-function variants in BRCA2 are known to be pathogenic (PMID: 20104584). This variant is present in population databases (rs776022857, gnomAD 0.004%). This premature translational stop signal has been observed in individual(s) with female breast and ovarian cancer, male breast cancer, and prostate cancer (PMID: 8589730, 11179017, 15131399, 20927582, 21324516, 21952622, 22798144). This variant is also known as 4706del4. ClinVar contains an entry for this variant (Variation ID: 51653). For these reasons, this variant has been classified as Pathogenic.

Center for Genomic Medicine, Rigshospitalet, Copenhagen University Hospital
Classification: Pathogenic. Last evaluated: 2025-12-29. Review status: criteria provided, single submitter. Criteria: ACMG Guidelines, 2015. Collection method: clinical testing. Allele origin: germline. Not counted in ClinVar's aggregate classification.
Comment: Classification criteria: PVS1, PM5_Strong

Institute of Human Genetics, University of Leipzig Medical Center
Classification: Pathogenic for Breast-ovarian cancer, familial, susceptibility to, 2. Last evaluated: 2025-12-22. Review status: criteria provided, single submitter. Criteria: ACMG Guidelines, 2015. Collection method: clinical testing. Allele origin: unknown. Inheritance: Autosomal dominant inheritance. Affected: yes. Not counted in ClinVar's aggregate classification.
Comment: Criteria applied: PVS1,PM5_STR

Ambry Genetics
Classification: Pathogenic for Hereditary cancer-predisposing syndrome. Last evaluated: 2025-11-14. Review status: criteria provided, single submitter. Criteria: Ambry Variant Classification Scheme 2023. Collection method: clinical testing. Allele origin: germline. Not counted in ClinVar's aggregate classification.
Comment: The c.4478_4481delAAAG (p.E1493Vfs*10) alteration, located in exon 11 (coding exon 10) of the BRCA2 gene, consists of a deletion of 4 nucleotides from position 4478 to 4481, causing a translational frameshift with a predicted alternate stop codon after 10 amino acids. This alteration is expected to result in loss of function by premature protein truncation or nonsense-mediated mRNA decay. Based on data from gnomAD, this allele has an overall frequency of 0.002% (4/250362) total alleles studied. The highest observed frequency was 0.004% (4/112994) of European (non-Finnish) alleles. This pathogenic mutation has been reported in multiple families affected with breast, ovarian and/or prostate cancer (Tavtigian, 1996; Frank, 1998; Risch, 2001; Lubinski, 2004; Ding, 2011; Zhang, 2011; Kote-Jarai, 2011; Kim, 2012; McVeigh, 2014; Maxwell, 2016; Shi, 2017; Dudley, 2018; Mijuskovic, 2018; Carter, 2018; Bhaskaran, 2019; Nguyen-Dumont, 2020; Lattimore, 2021; Breast Cancer Association, 2021). Based on the available evidence, this alteration is classified as pathogenic.

Quest Diagnostics Nichols Institute San Juan Capistrano
Classification: Pathogenic. Last evaluated: 2025-08-03. Review status: criteria provided, single submitter. Criteria: Quest Diagnostics criteria. Collection method: clinical testing. Allele origin: unknown. Not counted in ClinVar's aggregate classification.
Comment: The BRCA2 c.4478_4481del (p.Glu1493Valfs*10) variant alters the translational reading frame of the BRCA2 mRNA and causes the premature termination of BRCA2 protein synthesis. This variant has been reported in the published literature in individuals with breast cancer (PMID: 8589730 (1996), 23884708 (2014), 34399810 (2021), 32885271 (2021), 33758026 (2022), pancreatic cancer (PMID: 32073954 (2020)), prostate cancer (PMID: 21952622 (2022), 32338768 (2020)), and ovarian cancer (PMID: 21324516 (2011)). The frequency of this variant in the general population (Genome Aggregation Database) is consistent with pathogenicity. Based on the available information, this variant is classified as pathogenic.